The following is an entry in ClinVar:

ClinVar aggregate classification (germline): Conflicting classifications of pathogenicity. Review status: criteria provided, conflicting classifications (1 of 4 stars). 3 submissions from 3 submitters: Uncertain significance (1); Likely benign (1). 1 of the submissions does not count toward it. Last evaluated 2026-04-01.

Conditions:
DNAH14-related disorder. Also called: DNAH14-related condition.
Primary ciliary dyskinesia. Also called: Ciliary dyskinesia. Identifiers: Orphanet 244, MedGen C0008780, MONDO:0016575, HP:0012265.

Allele frequency attached by ClinVar (database versions not stated): 1000 Genomes Project 0.00200; 1000 Genomes Project 30x 0.00234; TOPMed 0.00570; gnomAD 0.00629; ExAC 0.00798; gnomAD exomes 0.00819; ESP Exome Variant Server 0.00876.
gnomAD v4.1: 12,363 of 1,548,816 alleles (0.8%); highest among the groups gnomAD compares: Non-Finnish European, 0.93%; 61 homozygotes.

Submissions (3):

Department of Human Genetics, Hannover Medical School
Classification: Uncertain significance for Primary Ciliary Dyskinesia. Last evaluated: 2026-04-01. Review status: criteria provided, single submitter. Criteria: ACMG Guidelines, 2015. Collection method: research. Allele origin: germline. Affected: no.
Comment: Classification performed by HerediClassify using the following criteria:'['PM2_supporting: Variant occures does not occur as homozygous in gnomAD.', 'PVS1_splicing_moderate: Transcript ENST00000682510 does not undergo NMD and reading frame is preserved. Protein length change of 0.0069309075157028 observed.', "PP4_supporting: The modified PICADAR socre of 2.0 exceeds threshold of 2 achieving 'supporting' evidence strength."]

CeGaT Center for Human Genetics Tuebingen
Classification: Likely benign. Last evaluated: 2024-08-01. Review status: criteria provided, single submitter. Criteria: CeGaT Center For Human Genetics Tuebingen Variant Classification Criteria Version 2. Collection method: clinical testing. Allele origin: germline. Affected: yes. Observed: 5 variant alleles.
Comment: DNAH14: PM4, BS2

PreventionGenetics, part of Exact Sciences
Classification: Likely benign for DNAH14-related condition. Last evaluated: 2023-04-20. Review status: no assertion criteria provided. Collection method: clinical testing. Allele origin: germline. Not counted in ClinVar's aggregate classification.
Comment: This variant is classified as likely benign based on ACMG/AMP sequence variant interpretation guidelines (Richards et al. 2015 PMID: 25741868, with internal and published modifications).

NM_001367479.1(DNAH14):c.13854A>T (p.Ter4618Tyr)

Gene: DNAH14 (dynein axonemal heavy chain 14; plus strand). Cytogenetic location: 1q42.12.
Variant type: single nucleotide variant.
Coding change: c.13854A>T on transcript NM_001367479.1 (MANE Select); coding-DNA position 13854, A replaced by T.
Protein change: p.Ter4618Tyr.
Molecular consequence: stop lost.
Genome position (GRCh38, 1-based): chr1:225,399,269, A>T. VCF-style: chr1-225399269-A-T. GRCh37 (hg19) VCF-style: chr1-225586971-A-T.
Other names: NM_001373.1:c.13548A>T.
Identifiers: ClinVar variation 2639960 (VCV002639960.26), dbSNP rs41305733, ClinGen allele CA1417002.